The following continues an entry in ClinVar:

NM_000277.3(PAH):c.311C>A (p.Ala104Asp)

Gene: PAH. ClinVar aggregate classification (germline): Pathogenic. Pathogenic (1).

Submissions 12 to 16 of 16:

Eurofins Ntd Llc (ga)
Classification: Pathogenic. Last evaluated: 2016-04-07. Review status: criteria provided, single submitter. Criteria: EGL Classification Definitions 2015. Collection method: clinical testing. Allele origin: germline. Observed: 3 variant alleles, 3 heterozygotes. Not counted in ClinVar's aggregate classification.

PreventionGenetics, part of Exact Sciences
Classification: Pathogenic for PAH-related condition. Last evaluated: 2024-01-02. Review status: no assertion criteria provided. Collection method: clinical testing. Allele origin: germline. Not counted in ClinVar's aggregate classification.
Comment: The PAH c.311C>A variant is predicted to result in the amino acid substitution p.Ala104Asp. This variant has been reported in the homozygous state or with a second PAH variant in patients with phenylalanine hydroxylase deficiency, ranging from mild hyperphenylalaninemia to classic phenylketonuria (PKU) (e.g., Zekanowski et al. 1997. PubMed ID: 9429153; Bercovich et al. 2008. PubMed ID: 18299955; Jeannesson-Thivisol et al. 2015. PubMed ID: 26666653; Trunzo et al. 2015. PubMed ID: 26210745; Su et al. 2019. PubMed ID: 31355225; Table S3 in Hillert et al. 2020. PubMed ID: 32668217). Based on functional studies, the p.Ala104Asp amino acid change has been reported to result in reduced PAH enzyme activity and has been classified as a BH4-responsive amino acid substitution (Zurflüh et al. 2008. PubMed ID: 17935162; Shi et al. 2012. PubMed ID: 21953985; Himmelreich et al. 2018. PubMed ID: 30037505). This variant is reported in 0.014% of alleles in individuals of European (Finnish) descent in gnomAD. It has been classified as pathogenic by multiple outside laboratories as well as the ClinGen PAH Variant Curation Expert Panel. Based on these observations, we classify this variant as pathogenic.

DeBelle Laboratory for Biochemical Genetics, MUHC/MCH RESEARCH INSTITUTE
No classification provided. Review status: no classification provided. Collection method: not provided. Allele origin: not provided. Not counted in ClinVar's aggregate classification.

Diagnostic Laboratory, Department of Genetics, University Medical Center Groningen
Classification: Pathogenic. Review status: no assertion criteria provided. Collection method: clinical testing. Allele origin: germline. Affected: yes. Study: VKGL Data-share Consensus. Not counted in ClinVar's aggregate classification.

Genome Diagnostics Laboratory, University Medical Center Utrecht
Classification: Pathogenic. Review status: no assertion criteria provided. Collection method: clinical testing. Allele origin: germline. Affected: yes. Study: VKGL Data-share Consensus. Not counted in ClinVar's aggregate classification.

Literature cited by the submitters: PubMed 24368688 (cited by 3 submitters); PubMed 9429153 (cited by 3 submitters); PubMed 18299955 (cited by Labcorp Genetics (formerly Invitae), Labcorp); PubMed 22112818 (cited by Labcorp Genetics (formerly Invitae), Labcorp and Mayo Clinic Laboratories, Mayo Clinic); PubMed 22526846 (cited by Labcorp Genetics (formerly Invitae), Labcorp); PubMed 23764561 (cited by Labcorp Genetics (formerly Invitae), Labcorp and Mayo Clinic Laboratories, Mayo Clinic); PubMed 26666653 (cited by 3 submitters); PubMed 21953985 (cited by Dasa); PubMed 31355225 (cited by Dasa); PubMed 23842451 (cited by Dasa); PubMed 23942198 (cited by Natera, Inc.); PubMed 23430918 (cited by Natera, Inc.); PubMed 10495930 (cited by Mayo Clinic Laboratories, Mayo Clinic and Illumina Laboratory Services, Illumina); PubMed 26210745 (cited by Mayo Clinic Laboratories, Mayo Clinic and Illumina Laboratory Services, Illumina); PubMed 9792411 (cited by Mayo Clinic Laboratories, Mayo Clinic and Illumina Laboratory Services, Illumina); PubMed 7556322 (cited by Illumina Laboratory Services, Illumina); PubMed 11461190 (cited by Illumina Laboratory Services, Illumina); PubMed 12655551 (cited by Illumina Laboratory Services, Illumina); PubMed 17935162 (cited by Women's Health and Genetics/Laboratory Corporation of America, LabCorp); PubMed 26542770 (cited by Women's Health and Genetics/Laboratory Corporation of America, LabCorp).